The following is an entry in ClinVar:

ClinVar aggregate classification (germline): Uncertain significance. Review status: criteria provided, multiple submitters, no conflicts (2 of 4 stars). 2 submissions from 2 submitters: Uncertain significance (2). Last evaluated 2026-01-26.

Conditions:
Neurofibromatosis, type 2 (SWNV). Also called: BILATERAL ACOUSTIC NEUROFIBROMATOSIS; SCHWANNOMATOSIS, VESTIBULAR; NF2-Related Schwannomatosis. Identifiers: Orphanet 637, MedGen C0027832, MONDO:0007039, OMIM 101000. Disease mechanism: loss of function.
Hereditary cancer-predisposing syndrome. Also called: Tumor predisposition; Hereditary Cancer Syndrome; Hereditary neoplastic syndrome; Neoplastic Syndromes, Hereditary. Identifiers: Orphanet 140162, MedGen C0027672, MeSH D009386, MONDO:0015356.

Allele frequency attached by ClinVar (database versions not stated): gnomAD exomes below 0.00001.

Submissions (2):

Labcorp Genetics (formerly Invitae), Labcorp
Classification: Uncertain significance for Neurofibromatosis, type 2. Last evaluated: 2026-01-26. Review status: criteria provided, single submitter. Criteria: Invitae Variant Classification Sherloc (09022015). Collection method: clinical testing. Allele origin: germline.
Comment: This sequence change replaces methionine, which is neutral and non-polar, with valine, which is neutral and non-polar, at codon 29 of the NF2 protein (p.Met29Val). This variant is not present in population databases (gnomAD no frequency). This variant has not been reported in the literature in individuals affected with NF2-related conditions. ClinVar contains an entry for this variant (Variation ID: 848840). Invitae Evidence Modeling of protein sequence and biophysical properties (such as structural, functional, and spatial information, amino acid conservation, physicochemical variation, residue mobility, and thermodynamic stability) indicates that this missense variant is not expected to disrupt NF2 protein function with a negative predictive value of 80%. In summary, the available evidence is currently insufficient to determine the role of this variant in disease. Therefore, it has been classified as a Variant of Uncertain Significance.

Ambry Genetics
Classification: Uncertain significance for Hereditary cancer-predisposing syndrome. Last evaluated: 2024-01-16. Review status: criteria provided, single submitter. Criteria: Ambry Variant Classification Scheme 2023. Collection method: clinical testing. Allele origin: germline.
Comment: The p.M29V variant (also known as c.85A>G), located in coding exon 1 of the NF2 gene, results from an A to G substitution at nucleotide position 85. The methionine at codon 29 is replaced by valine, an amino acid with highly similar properties. This amino acid position is highly conserved in available vertebrate species. In addition, the in silico prediction for this alteration is inconclusive. Since supporting evidence is limited at this time, the clinical significance of this alteration remains unclear.

NM_000268.4(NF2):c.85A>G (p.Met29Val)

Gene: NF2 (NF2, moesin-ezrin-radixin like (MERLIN) tumor suppressor; plus strand). Cytogenetic location: 22q12.2.
Variant type: single nucleotide variant.
Coding change: c.85A>G on transcript NM_000268.4 (MANE Select); coding-DNA position 85, A replaced by G.
Protein change: p.Met29Val; replaces methionine 29 with valine.
Molecular consequence: missense variant. On other transcripts: non-coding transcript variant (1).
Genome position (GRCh38, 1-based): chr22:29,604,083, A>G. VCF-style: chr22-29604083-A-G. GRCh37 (hg19) VCF-style: chr22-30000072-A-G.
Other names: c.85A>G, p.Met29Val (NM_016418.5, NM_181825.3, NM_181828.3 and 5 more transcripts); short protein forms M29V.
Identifiers: ClinVar variation 848840 (VCV000848840.11), dbSNP rs2064717331, ClinGen allele CA411146162.